The following is an entry in ClinVar:

NM_000057.4(BLM):c.3336T>A (p.Asn1112Lys)

Gene: BLM (BLM RecQ like helicase; plus strand). Cytogenetic location: 15q26.1.
Variant type: single nucleotide variant.
Coding change: c.3336T>A on transcript NM_000057.4 (MANE Select); coding-DNA position 3336, T replaced by A.
Protein change: p.Asn1112Lys; replaces asparagine 1112 with lysine.
Molecular consequence: missense variant.
Genome position (GRCh38, 1-based): chr15:90,798,315, T>A. VCF-style: chr15-90798315-T-A. GRCh37 (hg19) VCF-style: chr15-91341545-T-A.
Other names: c.3336T>A, p.Asn1112Lys (NM_001287246.2, NM_001287247.2); c.2211T>A, p.Asn737Lys (NM_001287248.2); short protein forms N1112K, N737K.
Identifiers: ClinVar variation 2118391 (VCV002118391.4), dbSNP rs2505534994, ClinGen allele CA393847365.
Genomic context (GRCh38, chr15:90,798,315, plus strand): 5'-TTCATCACAAGGAATGAGAAATATAAAACATGTAGGTCCTTCTGGAAGATTTACTATGAA[T>A]ATGCTGGTCGACATTTTCTTGGGTAAGTCATCTGTTTTGAATGTTTGAGTTACTTCAATT-3'
Protein context (NP_000048.1, residues 1102-1122): HVGPSGRFTM[Asn1112Lys]MLVDIFLGSK

ClinVar aggregate classification (germline): Uncertain significance (1 of 4 stars; one submission).

Conditions:
Bloom syndrome (BLM). Also called: Bloom-Torre-Machacek syndrome. Identifiers: Orphanet 125, MedGen C0005859, MONDO:0008876, OMIM 210900.

Submission:

Labcorp Genetics (formerly Invitae), Labcorp
Classification: Uncertain significance for Bloom syndrome. Last evaluated: 2022-03-27. Review status: criteria provided, single submitter. Criteria: Invitae Variant Classification Sherloc (09022015). Collection method: clinical testing. Allele origin: germline.
Comment: In summary, the available evidence is currently insufficient to determine the role of this variant in disease. Therefore, it has been classified as a Variant of Uncertain Significance. Algorithms developed to predict the effect of missense changes on protein structure and function are either unavailable or do not agree on the potential impact of this missense change (SIFT: "Tolerated"; PolyPhen-2: "Probably Damaging"; Align-GVGD: "Class C0"). This variant has not been reported in the literature in individuals affected with BLM-related conditions. This variant is not present in population databases (gnomAD no frequency). This sequence change replaces asparagine, which is neutral and polar, with lysine, which is basic and polar, at codon 1112 of the BLM protein (p.Asn1112Lys).